The following is an entry in ClinVar:

ClinVar aggregate classification (germline): Uncertain significance (1 of 4 stars; one submission).

Submission:

GeneDx
Classification: Uncertain significance. Last evaluated: 2024-07-25. Review status: criteria provided, single submitter. Criteria: GeneDx Variant Classification Process June 2021. Collection method: clinical testing. Allele origin: germline. Affected: yes.
Comment: Not observed at significant frequency in large population cohorts (gnomAD); In silico analysis indicates that this missense variant does not alter protein structure/function; Has not been previously published as pathogenic or benign to our knowledge

NM_001378183.1(PIEZO2):c.7564A>C (p.Ile2522Leu)

Gene: PIEZO2 (piezo type mechanosensitive ion channel component 2; minus strand). Cytogenetic location: 18p11.22.
Variant type: single nucleotide variant.
Coding change: c.7564A>C on transcript NM_001378183.1 (MANE Select); coding-DNA position 7564, A replaced by C.
Protein change: p.Ile2522Leu; replaces isoleucine 2522 with leucine.
Molecular consequence: missense variant.
Genome position (GRCh38, 1-based): chr18:10,682,226, T>G on the plus strand (A>C on the coding strand, the complement: PIEZO2 is on the minus strand). VCF-style: chr18-10682226-T-G. GRCh37 (hg19) VCF-style: chr18-10682223-T-G.
Other names: c.7300A>C, p.Ile2434Leu (NM_001410871.1); c.7225A>C, p.Ile2409Leu (NM_022068.4); short protein forms I2409L, I2434L, I2522L.
Identifiers: ClinVar variation 3602370 (VCV003602370.1).
Genomic context (GRCh38, chr18:10,682,226, plus strand): 5'-CAGATTTGATCAAAGACATGAAGAGAAGAGGAAACCAGACAATGCAGATGAGCAGGACGA[T>G]GATCATTCCTCCCATGCCATACTTCACCACTTTCTTCTTCTTCTGGCCCCGTGGCTGAGG-3'
Protein context (NP_001365112.1, residues 2512-2532): VVKYGMGGMI[Ile2522Leu]VLLICIVWFP